The following is an entry in ClinVar:

NM_000548.5(TSC2):c.3070G>A (p.Glu1024Lys)

Gene: TSC2 (TSC complex subunit 2; plus strand). Cytogenetic location: 16p13.3.
Variant type: single nucleotide variant.
Coding change: c.3070G>A on transcript NM_000548.5 (MANE Select); coding-DNA position 3070, G replaced by A.
Protein change: p.Glu1024Lys; replaces glutamic acid 1024 with lysine.
Molecular consequence: missense variant.
Genome position (GRCh38, 1-based): chr16:2,079,135, G>A. VCF-style: chr16-2079135-G-A. GRCh37 (hg19) VCF-style: chr16-2129136-G-A.
Other names: c.2938G>A, p.Glu980Lys (NM_001077183.3, NM_001370404.1); c.3070G>A, p.Glu1024Lys (NM_001114382.3); c.2830G>A, p.Glu944Lys (NM_001318827.2); c.2794G>A, p.Glu932Lys (NM_001318829.2); c.2338G>A, p.Glu780Lys (NM_001318831.2); c.2971G>A, p.Glu991Lys (NM_001318832.2); c.2941G>A, p.Glu981Lys (NM_001363528.2, NM_001370405.1, NM_021055.3); short protein forms E1024K, E780K, E932K, E991K, E944K, E980K, E981K.
Identifiers: ClinVar variation 406088 (VCV000406088.12), dbSNP rs1060500960, ClinGen allele CA16614966.
Genomic context (GRCh38, chr16:2,079,135, plus strand): 5'-GATGAGAACTCCGTGGCCCAGGCTGACGATAGCCTGAAAAACCTCCACCTGGAGCTCACG[G>A]AAACCTGTCTGGACATGATGGCTCGATACGTCTTCTCCAACTTCACGGCTGTCCCGAAGA-3'
Protein context (NP_000539.2, residues 1014-1034): SLKNLHLELT[Glu1024Lys]TCLDMMARYV

ClinVar aggregate classification (germline): Uncertain significance. Review status: criteria provided, multiple submitters, no conflicts (2 of 4 stars). 2 submissions from 2 submitters: Uncertain significance (2). Last evaluated 2025-01-08.

Conditions:
Hereditary cancer-predisposing syndrome. Also called: Tumor predisposition; Neoplastic Syndromes, Hereditary; Hereditary Cancer Syndrome; Hereditary neoplastic syndrome. Identifiers: Orphanet 140162, MedGen C0027672, MeSH D009386, MONDO:0015356.
Tuberous sclerosis 2 (TSC2). Identifiers: Orphanet 805, MedGen C1860707, MONDO:0013199, OMIM 613254.

Submissions (2):

Ambry Genetics
Classification: Uncertain significance for Hereditary cancer-predisposing syndrome. Last evaluated: 2025-01-08. Review status: criteria provided, single submitter. Criteria: Ambry Variant Classification Scheme 2023. Collection method: clinical testing. Allele origin: germline.
Comment: The p.E1024K variant (also known as c.3070G>A), located in coding exon 26 of the TSC2 gene, results from a G to A substitution at nucleotide position 3070. The glutamic acid at codon 1024 is replaced by lysine, an amino acid with similar properties. This amino acid position is highly conserved in available vertebrate species. In addition, this alteration is predicted to be deleterious by in silico analysis. Based on the available evidence, the clinical significance of this variant remains unclear.

Labcorp Genetics (formerly Invitae), Labcorp
Classification: Uncertain significance for Tuberous sclerosis 2. Last evaluated: 2023-07-03. Review status: criteria provided, single submitter. Criteria: Invitae Variant Classification Sherloc (09022015). Collection method: clinical testing. Allele origin: germline.
Comment: This variant has not been reported in the literature in individuals affected with TSC2-related conditions. ClinVar contains an entry for this variant (Variation ID: 406088). Advanced modeling of protein sequence and biophysical properties (such as structural, functional, and spatial information, amino acid conservation, physicochemical variation, residue mobility, and thermodynamic stability) has been performed at Invitae for this missense variant, however the output from this modeling did not meet the statistical confidence thresholds required to predict the impact of this variant on TSC2 protein function. In summary, the available evidence is currently insufficient to determine the role of this variant in disease. Therefore, it has been classified as a Variant of Uncertain Significance. This variant is not present in population databases (gnomAD no frequency). This sequence change replaces glutamic acid, which is acidic and polar, with lysine, which is basic and polar, at codon 1024 of the TSC2 protein (p.Glu1024Lys).